The following is an entry in ClinVar:

NM_001853.4(COL9A3):c.1906G>A (p.Gly636Ser)

Gene: COL9A3 (collagen type IX alpha 3 chain; plus strand). Cytogenetic location: 20q13.33.
Variant type: single nucleotide variant.
Coding change: c.1906G>A on transcript NM_001853.4 (MANE Select); coding-DNA position 1906, G replaced by A.
Protein change: p.Gly636Ser; replaces glycine 636 with serine.
Molecular consequence: missense variant.
Genome position (GRCh38, 1-based): chr20:62,840,583, G>A. VCF-style: chr20-62840583-G-A. GRCh37 (hg19) VCF-style: chr20-61471935-G-A.
Other names: short protein forms G636S.
Identifiers: ClinVar variation 1298874 (VCV001298874.46), dbSNP rs34990115, ClinGen allele CA9950258.
Genomic context (GRCh38, chr20:62,840,583, plus strand): 5'-CTTTCTGCTCTGTCCCAAGGACCCCAAGGCGTGCCCGGCACCAGCAAGGACGGCCAGGAC[G>A]GTGCTCCCGGCGAGCCTGGGCCTCCCGGAGATCCTGGGCTTCCAGGTGCCATTGGGGCCC-3'
Protein context (NP_001844.3, residues 626-646): VPGTSKDGQD[Gly636Ser]APGEPGPPGD

ClinVar aggregate classification (germline): Uncertain significance. Review status: criteria provided, multiple submitters, no conflicts (2 of 4 stars). 5 submissions from 5 submitters: Uncertain significance (5). Last evaluated 2026-01-24.

Conditions:
Epiphyseal dysplasia, multiple, 3 (EDM3). Also called: Epiphyseal dysplasia, multiple, 3, with or without myopathy; COL9A3-Related Multiple Epiphyseal Dysplasia. Identifiers: MedGen C1832998, MONDO:0010964, OMIM 600969.
Intervertebral disc disorder (IDD). Also called: INTERVERTEBRAL DISC DISEASE; Lumbar disk degenerative disorder. Identifiers: MedGen C0158252, MONDO:0044339, OMIM 603932.
Inborn genetic diseases. Identifiers: MedGen C0950123, MeSH D030342.

Allele frequency attached by ClinVar (database versions not stated): gnomAD exomes 0.00002 and 0.00006; TOPMed 0.00004; gnomAD 0.00006 and 0.00007; ExAC 0.00008; ESP Exome Variant Server 0.00008; 1000 Genomes Project 30x 0.00016; 1000 Genomes Project 0.00020.
gnomAD v4.1: 46 of 1,612,886 alleles (0.0029%); highest among the groups gnomAD compares: African/African-American, 0.0053%; no homozygotes.

Submissions (5):

Labcorp Genetics (formerly Invitae), Labcorp
Classification: Uncertain significance. Last evaluated: 2026-01-24. Review status: criteria provided, single submitter. Criteria: Invitae Variant Classification Sherloc (09022015). Collection method: clinical testing. Allele origin: germline.
Comment: This sequence change replaces glycine, which is neutral and non-polar, with serine, which is neutral and polar, at codon 636 of the COL9A3 protein (p.Gly636Ser). This variant is present in population databases (rs34990115, gnomAD 0.02%). This variant has not been reported in the literature in individuals affected with COL9A3-related conditions. ClinVar contains an entry for this variant (Variation ID: 1298874). Invitae Evidence Modeling of protein sequence and biophysical properties (such as structural, functional, and spatial information, amino acid conservation, physicochemical variation, residue mobility, and thermodynamic stability) indicates that this missense variant is expected to disrupt COL9A3 protein function with a positive predictive value of 95%. In summary, the available evidence is currently insufficient to determine the role of this variant in disease. Therefore, it has been classified as a Variant of Uncertain Significance.

Ambry Genetics
Classification: Uncertain significance for Inborn genetic diseases. Last evaluated: 2025-06-24. Review status: criteria provided, single submitter. Criteria: Ambry Variant Classification Scheme 2023. Collection method: clinical testing. Allele origin: germline.

CeGaT Center for Human Genetics Tuebingen
Classification: Uncertain significance. Last evaluated: 2025-03-01. Review status: criteria provided, single submitter. Criteria: CeGaT Center For Human Genetics Tuebingen Variant Classification Criteria Version 2. Collection method: clinical testing. Allele origin: germline. Affected: yes. Observed: 2 variant alleles.
Comment: COL9A3: PM2

GeneDx
Classification: Uncertain significance. Last evaluated: 2024-12-30. Review status: criteria provided, single submitter. Criteria: GeneDx Variant Classification Process June 2021. Collection method: clinical testing. Allele origin: germline. Affected: yes.
Comment: Has not been previously published as pathogenic or benign to our knowledge; In silico analysis supports that this missense variant has a deleterious effect on protein structure/function

Fulgent Genetics
Classification: Uncertain significance for Epiphyseal dysplasia, multiple, 3; Intervertebral disc disorder. Last evaluated: 2021-10-18. Review status: criteria provided, single submitter. Criteria: ACMG Guidelines, 2015. Collection method: clinical testing. Allele origin: unknown.